The following is an entry in ClinVar:

NM_001349206.2(LPIN1):c.2755C>G (p.Gln919Glu)

Gene: LPIN1 (lipin 1; plus strand). Cytogenetic location: 2p25.1.
Variant type: single nucleotide variant.
Coding change: c.2755C>G on transcript NM_001349206.2 (MANE Select); coding-DNA position 2755, C replaced by G.
Protein change: p.Gln919Glu; replaces glutamine 919 with glutamic acid.
Molecular consequence: missense variant. On other transcripts: non-coding transcript variant (1).
Genome position (GRCh38, 1-based): chr2:11,824,765, C>G. VCF-style: chr2-11824765-C-G. GRCh37 (hg19) VCF-style: chr2-11964891-C-G.
Other names: c.2665C>G, p.Gln889Glu (NM_001261427.3); c.2902C>G, p.Gln968Glu (NM_001261428.3); c.2647C>G, p.Gln883Glu (NM_001349199.2, NM_145693.4); c.2725C>G, p.Gln909Glu (NM_001349200.2, NM_001349201.2); c.2752C>G, p.Gln918Glu (NM_001349202.2, NM_001349203.2); c.2755C>G, p.Gln919Glu (NM_001349204.2, NM_001349205.2); c.2845C>G, p.Gln949Glu (NM_001349207.2); c.2794C>G, p.Gln932Glu (NM_001349208.2); and 1 more; short protein forms Q883E, Q918E, Q889E, Q919E, Q932E, Q909E, Q949E, Q968E.
Identifiers: ClinVar variation 2174776 (VCV002174776.5), dbSNP rs1376846811, ClinGen allele CA345861195.

ClinVar aggregate classification (germline): Uncertain significance. Review status: criteria provided, multiple submitters, no conflicts (2 of 4 stars). 2 submissions from 2 submitters: Uncertain significance (2). Last evaluated 2024-11-15.

Conditions:
Inborn genetic diseases. Identifiers: MedGen C0950123, MeSH D030342.

Allele frequency attached by ClinVar (database versions not stated): gnomAD exomes below 0.00001; gnomAD 0.00001; TOPMed 0.00001.
gnomAD v4.1: 7 of 1,614,072 alleles (0.00043%); highest among the groups gnomAD compares: South Asian, 0.0011%; no homozygotes.

Submissions (2):

Labcorp Genetics (formerly Invitae), Labcorp
Classification: Uncertain significance. Last evaluated: 2024-11-15. Review status: criteria provided, single submitter. Criteria: Invitae Variant Classification Sherloc (09022015). Collection method: clinical testing. Allele origin: germline.
Comment: This sequence change replaces glutamine, which is neutral and polar, with glutamic acid, which is acidic and polar, at codon 883 of the LPIN1 protein (p.Gln883Glu). This variant is present in population databases (no rsID available, gnomAD 0.007%). This variant has not been reported in the literature in individuals affected with LPIN1-related conditions. ClinVar contains an entry for this variant (Variation ID: 2174776). An algorithm developed to predict the effect of missense changes on protein structure and function (PolyPhen-2) suggests that this variant is likely to be tolerated. In summary, the available evidence is currently insufficient to determine the role of this variant in disease. Therefore, it has been classified as a Variant of Uncertain Significance.

Ambry Genetics
Classification: Uncertain significance for Inborn genetic diseases. Last evaluated: 2023-10-27. Review status: criteria provided, single submitter. Criteria: Ambry Variant Classification Scheme 2023. Collection method: clinical testing. Allele origin: germline.